The following is an entry in ClinVar:

ClinVar aggregate classification (germline): Likely benign (1 of 4 stars; one submission).

Allele frequency attached by ClinVar (database versions not stated): gnomAD exomes 0.00004; ExAC 0.00005; TOPMed 0.00008; gnomAD 0.00009; 1000 Genomes Project 30x 0.00016; 1000 Genomes Project 0.00020.

Submission:

CeGaT Center for Human Genetics Tuebingen
Classification: Likely benign. Last evaluated: 2022-03-01. Review status: criteria provided, single submitter. Criteria: CeGaT Center For Human Genetics Tuebingen Variant Classification Criteria Version 2. Collection method: clinical testing. Allele origin: germline. Affected: yes. Observed: 1 variant allele.
Comment: VWF: BP4, BP7

NM_000552.5(VWF):c.4500G>A (p.Ala1500=)

Gene: VWF (von Willebrand factor; minus strand). Cytogenetic location: 12p13.31.
Variant type: single nucleotide variant.
Coding change: c.4500G>A on transcript NM_000552.5 (MANE Select); coding-DNA position 4500, G replaced by A.
Protein change: p.Ala1500=; no amino-acid change (alanine 1500 retained).
Molecular consequence: synonymous variant.
Genome position (GRCh38, 1-based): chr12:6,018,918, C>T on the plus strand (G>A on the coding strand, the complement: VWF is on the minus strand). VCF-style: chr12-6018918-C-T. GRCh37 (hg19) VCF-style: chr12-6128084-C-T.
Identifiers: ClinVar variation 2642604 (VCV002642604.24), dbSNP rs560049911, ClinGen allele CA6402519.
Genomic context (GRCh38, chr12:6,018,918, plus strand): 5'-GAACTCCTTGCTCCTGTTGAAGTCGGCTTCACCAATTTTGTCCGATCCTTCCAGGACGAA[C>T]GCCACATCCAGAACCATGGAGTTCCTCTTGGGCCCCAGGGTCGAAACCCCCAAGAGCCCC-3'
Protein context (NP_000543.3, residues 1490-1510): PKRNSMVLDV[Ala1500=]FVLEGSDKIG